The following is an entry in ClinVar:

ClinVar aggregate classification (germline): Likely benign. Review status: criteria provided, single submitter (1 of 4 stars). 2 submissions from 2 submitters: Likely benign (1). 1 of the submissions does not count toward it. Last evaluated 2023-03-27.

Conditions:
MMUT-related disorder. Also called: MMUT-related condition.

Allele frequency attached by ClinVar (database versions not stated): gnomAD exomes below 0.00001; ExAC 0.00002; 1000 Genomes Project 30x 0.00016; 1000 Genomes Project 0.00020.
gnomAD v4.1: 3 of 1,612,338 alleles (0.00019%); highest among the groups gnomAD compares: Middle Eastern, 0.017%; no homozygotes.

Submissions (2):

Labcorp Genetics (formerly Invitae), Labcorp
Classification: Likely benign. Last evaluated: 2023-03-27. Review status: criteria provided, single submitter. Criteria: Invitae Variant Classification Sherloc (09022015). Collection method: clinical testing. Allele origin: germline.

PreventionGenetics, part of Exact Sciences
Classification: Likely benign for MMUT-related condition. Last evaluated: 2024-06-26. Review status: no assertion criteria provided. Collection method: clinical testing. Allele origin: germline. Not counted in ClinVar's aggregate classification.
Comment: This variant is classified as likely benign based on ACMG/AMP sequence variant interpretation guidelines (Richards et al. 2015 PMID: 25741868, with internal and published modifications).

NM_000255.4(MMUT):c.1758A>G (p.Ala586=)

Gene: MMUT (methylmalonyl-CoA mutase; minus strand). Cytogenetic location: 6p12.3.
Variant type: single nucleotide variant.
Coding change: c.1758A>G on transcript NM_000255.4 (MANE Select); coding-DNA position 1758, A replaced by G.
Protein change: p.Ala586=; no amino-acid change (alanine 586 retained).
Molecular consequence: synonymous variant.
Genome position (GRCh38, 1-based): chr6:49,441,890, T>C on the plus strand (A>G on the coding strand, the complement: MMUT is on the minus strand). VCF-style: chr6-49441890-T-C. GRCh37 (hg19) VCF-style: chr6-49409603-T-C.
Other names: c.1758A>G (NM_000255.3).
Identifiers: ClinVar variation 1093474 (VCV001093474.10), dbSNP rs201138975, ClinGen allele CA3846756.